The following is an entry in ClinVar:

NM_003107.3(SOX4):c.904_933dup (p.Leu302_Gly311dup)

Gene: SOX4 (SRY-box transcription factor 4; plus strand). Cytogenetic location: 6p22.3.
Variant type: Duplication.
Coding change: c.904_933dup on transcript NM_003107.3 (MANE Select); coding-DNA positions 904 to 933, 30 bases duplicated (CTGGGCACGTCGTCGTCGCCCGTGGGCGGC).
Protein change: p.Leu302_Gly311dup.
Molecular consequence: inframe insertion.
Genome position (GRCh38, 1-based): chr6:21,595,438-21,595,467, CTGGGCACGTCGTCGTCGCCCGTGGGCGGC duplicated; duplicating any 30 consecutive bases within chr6:21,595,432-21,595,467 gives the same sequence; the c. name uses the placement nearest the transcript's 3' end. VCF-style (leftmost placement, unchanged base first): chr6-21595431-C-CGGCGGCCTGGGCACGTCGTCGTCGCCCGTG. GRCh37 (hg19) VCF-style: chr6-21595662-C-CGGCGGCCTGGGCACGTCGTCGTCGCCCGTG.
Identifiers: ClinVar variation 1388796 (VCV001388796.6), dbSNP rs1763119057, ClinGen allele CA2573140142.

ClinVar aggregate classification (germline): Uncertain significance (1 of 4 stars; one submission).

Submission:

Labcorp Genetics (formerly Invitae), Labcorp
Classification: Uncertain significance. Last evaluated: 2023-11-03. Review status: criteria provided, single submitter. Criteria: Invitae Variant Classification Sherloc (09022015). Collection method: clinical testing. Allele origin: germline.
Comment: This variant, c.904_933dup, results in the insertion of 10 amino acid(s) of the SOX4 protein (p.Leu302_Gly311dup), but otherwise preserves the integrity of the reading frame. This variant is not present in population databases (gnomAD no frequency). This variant has not been reported in the literature in individuals affected with SOX4-related conditions. ClinVar contains an entry for this variant (Variation ID: 1388796). Experimental studies and prediction algorithms are not available or were not evaluated, and the functional significance of this variant is currently unknown. In summary, the available evidence is currently insufficient to determine the role of this variant in disease. Therefore, it has been classified as a Variant of Uncertain Significance.